The following is an entry in ClinVar:

ClinVar aggregate classification (germline): Uncertain significance (1 of 4 stars; one submission).

Conditions:
Hereditary cancer-predisposing syndrome. Also called: Hereditary Cancer Syndrome; Hereditary neoplastic syndrome; Neoplastic Syndromes, Hereditary; Tumor predisposition. Identifiers: Orphanet 140162, MedGen C0027672, MeSH D009386, MONDO:0015356.

Submission:

Ambry Genetics
Classification: Uncertain significance for Hereditary cancer-predisposing syndrome. Last evaluated: 2026-08-17. Review status: criteria provided, single submitter. Criteria: Ambry Variant Classification Scheme 2023. Collection method: clinical testing. Allele origin: germline.
Comment: The p.T75I variant (also known as c.224C>T), located in coding exon 2 of the BMPR1A gene, results from a C to T substitution at nucleotide position 224. The threonine at codon 75 is replaced by isoleucine, an amino acid with similar properties. This amino acid position is highly conserved in available vertebrate species. In addition, this alteration is predicted to be deleterious by in silico analysis. Based on the available evidence, the clinical significance of this variant remains unclear.

NM_004329.3(BMPR1A):c.224C>T (p.Thr75Ile)

Gene: BMPR1A (bone morphogenetic protein receptor type 1A; plus strand). Cytogenetic location: 10q23.2.
Variant type: single nucleotide variant.
Coding change: c.224C>T on transcript NM_004329.3 (MANE Select); coding-DNA position 224, C replaced by T.
Protein change: p.Thr75Ile; replaces threonine 75 with isoleucine.
Molecular consequence: missense variant.
Genome position (GRCh38, 1-based): chr10:86,890,218, C>T. VCF-style: chr10-86890218-C-T. GRCh37 (hg19) VCF-style: chr10-88649975-C-T.
Other names: c.224C>T, p.Thr75Ile (NM_001406559.1, NM_001406560.1, NM_001406561.1 and 23 more transcripts); c.140C>T, p.Thr47Ile (NM_001406584.1, NM_001406585.1, NM_001406586.1 and 2 more transcripts); short protein forms T75I, T47I.
Identifiers: ClinVar variation 1788396 (VCV001788396.3), dbSNP rs1589763485, ClinGen allele CA377447258.